The following is an entry in ClinVar:

ClinVar aggregate classification (germline): Pathogenic. Review status: criteria provided, multiple submitters, no conflicts (2 of 4 stars). 3 submissions from 3 submitters: Pathogenic (3). Last evaluated 2024-04-14.

Conditions:
Peutz-Jeghers syndrome (PJS). Also called: Peutz-Jeghers polyposis; Periorificial lentiginosis syndrome; POLYPOSIS, HAMARTOMATOUS INTESTINAL; POLYPS-AND-SPOTS SYNDROME. Identifiers: Orphanet 2869, MedGen C0031269, MeSH D010580, MONDO:0008280, OMIM 175200.

Submissions (3):

Molecular Pathology, Peter Maccallum Cancer Centre
Classification: Pathogenic for Peutz-Jeghers syndrome. Last evaluated: 2024-04-14. Review status: criteria provided, single submitter. Criteria: ACMG Guidelines, 2015. Collection method: clinical testing. Allele origin: germline. Inheritance: Autosomal dominant inheritance.

Myriad Genetics, Inc.
Classification: Pathogenic for Peutz-Jeghers syndrome. Last evaluated: 2024-02-12. Review status: criteria provided, single submitter. Criteria: Myriad Autosomal Dominant, Autosomal Recessive and X-Linked Classification Criteria (2023). Collection method: clinical testing. Allele origin: unknown.
Comment: This variant is considered pathogenic. This variant creates a termination codon and is predicted to result in premature protein truncation.

GeneDx
Classification: Pathogenic. Last evaluated: 2017-11-16. Review status: criteria provided, single submitter. Criteria: GeneDx Variant Classification (06012015). Collection method: clinical testing. Allele origin: germline. Affected: yes.
Comment: The Q302X nonsense variant in the STK11 gene has been previously reported in at least two families with Peutz-Jeghers syndrome (Wang et al., 2011; Wang et al., 2014). This variant is predicted to cause loss of normal protein function either through protein truncation or nonsense-mediated mRNA decay. Based on currently available evidence, we consider Q302X to be pathogenic.

NM_000455.5(STK11):c.904C>T (p.Gln302Ter)

Gene: STK11 (serine/threonine kinase 11; plus strand). Cytogenetic location: 19p13.3.
Variant type: single nucleotide variant.
Coding change: c.904C>T on transcript NM_000455.5 (MANE Select); coding-DNA position 904, C replaced by T.
Protein change: p.Gln302Ter; replaces glutamine 302 with a stop codon.
Molecular consequence: nonsense.
Genome position (GRCh38, 1-based): chr19:1,221,990, C>T. VCF-style: chr19-1221990-C-T. GRCh37 (hg19) VCF-style: chr19-1221989-C-T.
Other names: short protein forms Q302*.
Identifiers: ClinVar variation 426137 (VCV000426137.4), dbSNP rs1085307466, ClinGen allele CA402951286.